The following is an entry in ClinVar:

ClinVar aggregate classification (germline): Uncertain significance (1 of 4 stars; one submission).

Allele frequency attached by ClinVar (database versions not stated): TOPMed below 0.00001; ExAC 0.00002; ESP Exome Variant Server 0.00008.
gnomAD v4.1: 4 of 1,613,870 alleles (0.00025%); highest among the groups gnomAD compares: Non-Finnish European, 0.00034%; no homozygotes.

Submission:

Labcorp Genetics (formerly Invitae), Labcorp
Classification: Uncertain significance. Last evaluated: 2025-12-11. Review status: criteria provided, single submitter. Criteria: Invitae Variant Classification Sherloc (09022015). Collection method: clinical testing. Allele origin: germline.
Comment: This sequence change replaces valine, which is neutral and non-polar, with leucine, which is neutral and non-polar, at codon 537 of the RIN2 protein (p.Val537Leu). This variant is present in population databases (rs374326201, gnomAD 0.003%). This variant has not been reported in the literature in individuals affected with RIN2-related conditions. ClinVar contains an entry for this variant (Variation ID: 1987919). Experimental studies and prediction algorithms are not available or were not evaluated, and the functional significance of this variant is currently unknown. In summary, the available evidence is currently insufficient to determine the role of this variant in disease. Therefore, it has been classified as a Variant of Uncertain Significance.

NM_018993.4(RIN2):c.1609G>C (p.Val537Leu)

Gene: RIN2 (Ras and Rab interactor 2; plus strand). Cytogenetic location: 20p11.23.
Variant type: single nucleotide variant.
Coding change: c.1609G>C on transcript NM_018993.4 (MANE Select); coding-DNA position 1609, G replaced by C.
Protein change: p.Val537Leu; replaces valine 537 with leucine.
Molecular consequence: missense variant.
Genome position (GRCh38, 1-based): chr20:19,975,634, G>C. VCF-style: chr20-19975634-G-C. GRCh37 (hg19) VCF-style: chr20-19956278-G-C.
Other names: c.1756G>C, p.Val586Leu (NM_001242581.2); c.991G>C, p.Val331Leu (NM_001378238.1); short protein forms V537L, V331L, V586L.
Identifiers: ClinVar variation 1987919 (VCV001987919.2), dbSNP rs374326201, ClinGen allele CA9780120.